The following is an entry in ClinVar:

NM_178857.6(RP1L1):c.4630C>T (p.Arg1544Cys)

Gene: RP1L1 (RP1 like 1). Cytogenetic location: 8p23.1.
Variant type: single nucleotide variant.
Coding change: c.4630C>T on transcript NM_178857.6 (MANE Select); coding-DNA position 4630, C replaced by T.
Protein change: p.Arg1544Cys; replaces arginine 1544 with cysteine.
Molecular consequence: missense variant.
Genome position (GRCh38, 1-based): chr8:10,609,468, G>A on the plus strand (C>T on the coding strand, the complement: RP1L1 is on the minus strand). VCF-style: chr8-10609468-G-A. GRCh37 (hg19) VCF-style: chr8-10466978-G-A.
Other names: c.4630C>T (NM_178857.5); short protein forms R1544C.
Identifiers: ClinVar variation 425432 (VCV000425432.45), dbSNP rs374999818, ClinGen allele CA4623951.

ClinVar aggregate classification (germline): Conflicting classifications of pathogenicity. Review status: criteria provided, conflicting classifications (1 of 4 stars). 4 submissions from 4 submitters: Uncertain significance (3); Likely benign (1). Last evaluated 2025-12-09.

Conditions:
Retinal dystrophy. Also called: Inherited retinal dystrophy. Identifiers: Orphanet 71862, MedGen C0854723, MeSH D058499, MONDO:0019118, HP:0000556.
RP1L1-related disorder. Also called: RP1L1-related condition.

Allele frequency attached by ClinVar (database versions not stated): gnomAD exomes 0.00007 and 0.00008; ExAC 0.00009; TOPMed 0.00010; gnomAD 0.00013; ESP Exome Variant Server 0.00016.
gnomAD v4.1: 124 of 1,612,090 alleles (0.0077%); highest among the groups gnomAD compares: African/African-American, 0.02%; no homozygotes.

Submissions (4):

PreventionGenetics, part of Exact Sciences
Classification: Uncertain significance for RP1L1-related condition. Last evaluated: 2025-12-09. Review status: criteria provided, single submitter. Criteria: ACMG Guidelines, 2015. Collection method: clinical testing. Allele origin: germline.
Comment: The RP1L1 c.4630C>T variant is predicted to result in the amino acid substitution p.Arg1544Cys. To our knowledge, this variant has not been reported in the literature. This variant is reported in 0.021% of alleles in individuals of African descent in gnomAD. At this time, the clinical significance of this variant is uncertain due to the absence of conclusive functional and genetic evidence.

Blueprint Genetics
Classification: Uncertain significance. Last evaluated: 2024-03-07. Review status: criteria provided, single submitter. Criteria: ACMG Guidelines, 2015. Collection method: clinical testing. Allele origin: germline.

Dept Of Ophthalmology, Nagoya University
Classification: Uncertain significance for Retinal dystrophy. Last evaluated: 2023-10-01. Review status: criteria provided, single submitter. Criteria: Submitter's publication. Collection method: research. Allele origin: germline. Affected: yes.

CeGaT Center for Human Genetics Tuebingen
Classification: Likely benign. Last evaluated: 2018-06-01. Review status: criteria provided, single submitter. Criteria: CeGaT Center For Human Genetics Tuebingen Variant Classification Criteria Version 2. Collection method: clinical testing. Allele origin: germline. Affected: yes. Observed: 2 variant alleles.